The following is an entry in ClinVar:

NM_052947.4(ALPK2):c.595A>G (p.Thr199Ala)

Gene: ALPK2 (alpha kinase 2; minus strand). Cytogenetic location: 18q21.31.
Variant type: single nucleotide variant.
Coding change: c.595A>G on transcript NM_052947.4 (MANE Select); coding-DNA position 595, A replaced by G.
Protein change: p.Thr199Ala; replaces threonine 199 with alanine.
Molecular consequence: missense variant.
Genome position (GRCh38, 1-based): chr18:58,580,181, T>C on the plus strand (A>G on the coding strand, the complement: ALPK2 is on the minus strand). VCF-style: chr18-58580181-T-C. GRCh37 (hg19) VCF-style: chr18-56247413-T-C.
Other names: short protein forms T199A.
Identifiers: ClinVar variation 1750712 (VCV001750712.3), dbSNP rs2051949896, ClinGen allele CA402567638.

ClinVar aggregate classification (germline): Uncertain significance (1 of 4 stars; one submission).

Allele frequency attached by ClinVar (database versions not stated): gnomAD exomes below 0.00001; TOPMed below 0.00001; gnomAD 0.00001.
gnomAD v4.1: 3 of 1,614,126 alleles (0.00019%); highest among the groups gnomAD compares: African/African-American, 0.0027%; no homozygotes.

Submission:

Ambry Genetics
Classification: Uncertain significance. Last evaluated: 2024-10-28. Review status: criteria provided, single submitter. Criteria: Ambry Variant Classification Scheme 2023. Collection method: clinical testing. Allele origin: germline.
Comment: The p.T199A variant (also known as c.595A>G), located in coding exon 3 of the ALPK2 gene, results from an A to G substitution at nucleotide position 595. The threonine at codon 199 is replaced by alanine, an amino acid with similar properties. This amino acid position is conserved. In addition, this alteration is predicted to be tolerated by in silico analysis. Since supporting evidence is limited at this time, the clinical significance of this alteration remains unclear.